The following is an entry in ClinVar:

NM_001122681.2(SH3BP2):c.170G>A (p.Cys57Tyr)

Gene: SH3BP2 (SH3 domain binding protein 2; plus strand). Cytogenetic location: 4p16.3.
Variant type: single nucleotide variant.
Coding change: c.170G>A on transcript NM_001122681.2 (MANE Select); coding-DNA position 170, G replaced by A.
Protein change: p.Cys57Tyr; replaces cysteine 57 with tyrosine.
Molecular consequence: missense variant.
Genome position (GRCh38, 1-based): chr4:2,822,968, G>A. VCF-style: chr4-2822968-G-A. GRCh37 (hg19) VCF-style: chr4-2824695-G-A.
Other names: c.254G>A, p.Cys85Tyr (NM_001145855.2); c.341G>A, p.Cys114Tyr (NM_001145856.2); c.170G>A, p.Cys57Tyr (NM_003023.4); short protein forms C114Y, C57Y, C85Y.
Identifiers: ClinVar variation 4764142 (VCV004764142.1).

ClinVar aggregate classification (germline): Uncertain significance (1 of 4 stars; one submission).

Conditions:
Fibrous dysplasia of jaw (CRBM). Also called: Cherubism. Identifiers: Orphanet 184, MedGen C0008029, MONDO:0007315, OMIM 118400.

Submission:

Labcorp Genetics (formerly Invitae), Labcorp
Classification: Uncertain significance for Fibrous dysplasia of jaw. Last evaluated: 2025-04-30. Review status: criteria provided, single submitter. Criteria: Invitae Variant Classification Sherloc (09022015). Collection method: clinical testing. Allele origin: germline.
Comment: This sequence change replaces cysteine, which is neutral and slightly polar, with tyrosine, which is neutral and polar, at codon 57 of the SH3BP2 protein (p.Cys57Tyr). This variant is not present in population databases (gnomAD no frequency). This variant has not been reported in the literature in individuals affected with SH3BP2-related conditions. Invitae Evidence Modeling of protein sequence and biophysical properties (such as structural, functional, and spatial information, amino acid conservation, physicochemical variation, residue mobility, and thermodynamic stability) indicates that this missense variant is not expected to disrupt SH3BP2 protein function with a negative predictive value of 95%. In summary, the available evidence is currently insufficient to determine the role of this variant in disease. Therefore, it has been classified as a Variant of Uncertain Significance.